The following is an entry in ClinVar:

NM_005591.4(MRE11):c.1087G>A (p.Val363Ile)

Gene: MRE11 (MRE11 double strand break repair nuclease; minus strand). Cytogenetic location: 11q21.
Variant type: single nucleotide variant.
Coding change: c.1087G>A on transcript NM_005591.4 (MANE Select); coding-DNA position 1087, G replaced by A.
Protein change: p.Val363Ile; replaces valine 363 with isoleucine.
Molecular consequence: missense variant.
Genome position (GRCh38, 1-based): chr11:94,467,824, C>T on the plus strand (G>A on the coding strand, the complement: MRE11 is on the minus strand). VCF-style: chr11-94467824-C-T. GRCh37 (hg19) VCF-style: chr11-94200990-C-T.
Other names: c.1087G>A, p.Val363Ile (NM_001330347.2, NM_005590.4); short protein forms V363I.
Identifiers: ClinVar variation 641005 (VCV000641005.11), dbSNP rs1423143143, ClinGen allele CA382373663.

ClinVar aggregate classification (germline): Conflicting classifications of pathogenicity. Review status: criteria provided, conflicting classifications (1 of 4 stars). 2 submissions from 2 submitters: Uncertain significance (1); Likely benign (1). Last evaluated 2022-10-31.

Conditions:
Ataxia-telangiectasia-like disorder (ATLD). Identifiers: MedGen C1858391, MONDO:0011457.
Hereditary cancer-predisposing syndrome. Also called: Neoplastic Syndromes, Hereditary; Tumor predisposition; Hereditary Cancer Syndrome; Hereditary neoplastic syndrome. Identifiers: Orphanet 140162, MedGen C0027672, MeSH D009386, MONDO:0015356.

Allele frequency attached by ClinVar (database versions not stated): gnomAD exomes below 0.00001 and 0.00001; TOPMed below 0.00001.
gnomAD v4.1: 4 of 1,612,874 alleles (0.00025%); highest among the groups gnomAD compares: South Asian, 0.0033%; no homozygotes.

Submissions (2):

Ambry Genetics
Classification: Likely benign for Hereditary cancer-predisposing syndrome. Last evaluated: 2022-10-31. Review status: criteria provided, single submitter. Criteria: Ambry Variant Classification Scheme 2023. Collection method: clinical testing. Allele origin: germline.

Labcorp Genetics (formerly Invitae), Labcorp
Classification: Uncertain significance for Ataxia-telangiectasia-like disorder. Last evaluated: 2018-12-11. Review status: criteria provided, single submitter. Criteria: Invitae Variant Classification Sherloc (09022015). Collection method: clinical testing. Allele origin: germline.
Comment: In summary, the available evidence is currently insufficient to determine the role of this variant in disease. Therefore, it has been classified as a Variant of Uncertain Significance. Algorithms developed to predict the effect of missense changes on protein structure and function output the following: SIFT: "Tolerated"; PolyPhen-2: "Benign"; Align-GVGD: "Class C0". The isoleucine amino acid residue is found in multiple mammalian species, suggesting that this missense change does not adversely affect protein function. These predictions have not been confirmed by published functional studies and their clinical significance is uncertain. This variant has not been reported in the literature in individuals with MRE11-related conditions. This variant is not present in population databases (ExAC no frequency). This sequence change replaces valine with isoleucine at codon 363 of the MRE11 protein (p.Val363Ile). The valine residue is weakly conserved and there is a small physicochemical difference between valine and isoleucine.